The following is an entry in ClinVar:

ClinVar aggregate classification (germline): Likely pathogenic (1 of 4 stars; one submission).

Conditions:
Paediatric disorders.

Submission:

North West Genomic Laboratory Hub, Manchester University NHS Foundation Trust
Classification: Likely pathogenic for Paediatric disorders. Last evaluated: 2026-05-04. Review status: criteria provided, single submitter. Criteria: ACGS Best Practice Guidelines for Variant Classification in Rare Disease 2024. Collection method: clinical testing. Allele origin: germline. Affected: yes.
Comment: PP4_Str PM2_Mod PP2_Supp PP3_Supp

NM_001170629.2(CHD8):c.2627G>C (p.Arg876Pro)

Gene: CHD8 (chromodomain helicase DNA binding protein 8; minus strand). Cytogenetic location: 14q11.2.
Variant type: single nucleotide variant.
Coding change: c.2627G>C on transcript NM_001170629.2 (MANE Select); coding-DNA position 2627, G replaced by C.
Protein change: p.Arg876Pro; replaces arginine 876 with proline.
Molecular consequence: missense variant.
Genome position (GRCh38, 1-based): chr14:21,408,415, C>G on the plus strand (G>C on the coding strand, the complement: CHD8 is on the minus strand). VCF-style: chr14-21408415-C-G. GRCh37 (hg19) VCF-style: chr14-21876574-C-G.
Other names: c.1790G>C, p.Arg597Pro (NM_020920.4); short protein forms R597P, R876P.
Identifiers: ClinVar variation 4851469 (VCV004851469.1).